The following is an entry in ClinVar:

ClinVar aggregate classification (germline): Uncertain significance (1 of 4 stars; one submission).

Submission:

Labcorp Genetics (formerly Invitae), Labcorp
Classification: Uncertain significance. Last evaluated: 2022-09-07. Review status: criteria provided, single submitter. Criteria: Invitae Variant Classification Sherloc (09022015). Collection method: clinical testing. Allele origin: germline.
Comment: Algorithms developed to predict the effect of sequence changes on RNA splicing suggest that this variant may create or strengthen a splice site. In summary, the available evidence is currently insufficient to determine the role of this variant in disease. Therefore, it has been classified as a Variant of Uncertain Significance. Algorithms developed to predict the effect of missense changes on protein structure and function are either unavailable or do not agree on the potential impact of this missense change (SIFT: "Deleterious"; PolyPhen-2: "Benign"; Align-GVGD: "Class C0"). ClinVar contains an entry for this variant (Variation ID: 1513739). This variant has not been reported in the literature in individuals affected with NKX6-2-related conditions. This variant is not present in population databases (gnomAD no frequency). This sequence change replaces alanine, which is neutral and non-polar, with valine, which is neutral and non-polar, at codon 138 of the NKX6-2 protein (p.Ala138Val).

NM_177400.3(NKX6-2):c.413C>T (p.Ala138Val)

Gene: NKX6-2 (NK6 homeobox 2; minus strand). Cytogenetic location: 10q26.3.
Variant type: single nucleotide variant.
Coding change: c.413C>T on transcript NM_177400.3 (MANE Select); coding-DNA position 413, C replaced by T.
Protein change: p.Ala138Val; replaces alanine 138 with valine.
Molecular consequence: missense variant.
Genome position (GRCh38, 1-based): chr10:132,785,446, G>A on the plus strand (C>T on the coding strand, the complement: NKX6-2 is on the minus strand). VCF-style: chr10-132785446-G-A. GRCh37 (hg19) VCF-style: chr10-134598950-G-A.
Other names: short protein forms A138V.
Identifiers: ClinVar variation 1513739 (VCV001513739.8), dbSNP rs1318312861, ClinGen allele CA378770462.